The following is an entry in ClinVar:

NM_002691.4(POLD1):c.3161T>C (p.Leu1054Pro)

Gene: POLD1 (DNA polymerase delta 1, catalytic subunit; plus strand). Cytogenetic location: 19q13.33.
Variant type: single nucleotide variant.
Coding change: c.3161T>C on transcript NM_002691.4 (MANE Select); coding-DNA position 3161, T replaced by C.
Protein change: p.Leu1054Pro; replaces leucine 1054 with proline.
Molecular consequence: missense variant. On other transcripts: non-coding transcript variant (1).
Genome position (GRCh38, 1-based): chr19:50,417,212, T>C. VCF-style: chr19-50417212-T-C. GRCh37 (hg19) VCF-style: chr19-50920469-T-C.
Other names: c.3161T>C, p.Leu1054Pro (NM_001256849.1); c.3239T>C, p.Leu1080Pro (NM_001308632.1); short protein forms L1054P, L1080P.
Identifiers: ClinVar variation 3935594 (VCV003935594.1).
Genomic context (GRCh38, chr19:50,417,212, plus strand): 5'-TCAGCCGCTGCCGTCCCCAGGTATCCCATCTGAATGCCCTGGAGGAGCGCTTCTCGCGCC[T>C]CTGGACGCAGTGCCAGCGCTGCCAGGGCAGCCTGCACGAGGACGTCATCTGCACCAGGTG-3'
Protein context (NP_002682.2, residues 1044-1064): LNALEERFSR[Leu1054Pro]WTQCQRCQGS

ClinVar aggregate classification (germline): Uncertain significance (1 of 4 stars; one submission).

Conditions:
Hereditary cancer-predisposing syndrome. Also called: Tumor predisposition; Hereditary neoplastic syndrome; Hereditary Cancer Syndrome; Neoplastic Syndromes, Hereditary. Identifiers: Orphanet 140162, MedGen C0027672, MeSH D009386, MONDO:0015356.

Submission:

Ambry Genetics
Classification: Uncertain significance for Hereditary cancer-predisposing syndrome. Last evaluated: 2025-06-14. Review status: criteria provided, single submitter. Criteria: Ambry Variant Classification Scheme 2023. Collection method: clinical testing. Allele origin: germline.
Comment: The p.L1054P variant (also known as c.3161T>C), located in coding exon 25 of the POLD1 gene, results from a T to C substitution at nucleotide position 3161. The leucine at codon 1054 is replaced by proline, an amino acid with similar properties. This amino acid position is conserved. In addition, this alteration is predicted to be deleterious by in silico analysis. Based on the available evidence, the clinical significance of this variant remains unclear.